The following is an entry in ClinVar:

ClinVar aggregate classification (germline): Uncertain significance. Review status: criteria provided, multiple submitters, no conflicts (2 of 4 stars). 4 submissions from 4 submitters: Uncertain significance (4). Last evaluated 2024-08-27.

Conditions:
Acrocallosal syndrome (ACLS). Also called: HALLUX DUPLICATION, POSTAXIAL POLYDACTYLY, AND ABSENCE OF CORPUS CALLOSUM; Schinzel syndrome 1; Absence of corpus callosum with unusual facial appearance, mental deficiency, duplication of the halluces and polydactyly. Identifiers: Orphanet 36, MedGen C0796147, MONDO:0008708, OMIM 200990.
Hydrolethalus syndrome 2 (HLS2). Identifiers: Orphanet 2189, MedGen C3279899, MONDO:0013585, OMIM 614120.
Multiple epiphyseal dysplasia, Al-Gazali type. Also called: Macrocephaly with multiple epiphyseal dysplasia and distinctive facies. Identifiers: Orphanet 166024, MedGen C1846722, MONDO:0011778, OMIM 607131.
Inborn genetic diseases. Identifiers: MedGen C0950123, MeSH D030342.

Allele frequency attached by ClinVar (database versions not stated): gnomAD exomes 0.00003; gnomAD 0.00005; TOPMed 0.00008.
gnomAD v4.1: 18 of 1,523,000 alleles (0.0012%); highest among the groups gnomAD compares: Admixed American, 0.028%; no homozygotes.

Submissions (4):

Ambry Genetics
Classification: Uncertain significance for Inborn genetic diseases. Last evaluated: 2024-08-27. Review status: criteria provided, single submitter. Criteria: Ambry Variant Classification Scheme 2023. Collection method: clinical testing. Allele origin: germline.

Fulgent Genetics
Classification: Uncertain significance for Acrocallosal syndrome; Multiple epiphyseal dysplasia, Al-Gazali type; Hydrolethalus syndrome 2. Last evaluated: 2024-06-03. Review status: criteria provided, single submitter. Criteria: ACMG Guidelines, 2015. Collection method: clinical testing. Allele origin: germline.

GeneDx
Classification: Uncertain significance. Last evaluated: 2023-10-19. Review status: criteria provided, single submitter. Criteria: GeneDx Variant Classification Process June 2021. Collection method: clinical testing. Allele origin: germline. Affected: yes.
Comment: Has not been previously published as pathogenic or benign to our knowledge; In silico analysis supports that this missense variant has a deleterious effect on protein structure/function

Labcorp Genetics (formerly Invitae), Labcorp
Classification: Uncertain significance for Acrocallosal syndrome. Last evaluated: 2022-07-29. Review status: criteria provided, single submitter. Criteria: Invitae Variant Classification Sherloc (09022015). Collection method: clinical testing. Allele origin: germline.
Comment: This sequence change replaces serine, which is neutral and polar, with cysteine, which is neutral and slightly polar, at codon 108 of the KIF7 protein (p.Ser108Cys). This variant is present in population databases (rs754667399, gnomAD 0.02%). This variant has not been reported in the literature in individuals affected with KIF7-related conditions. ClinVar contains an entry for this variant (Variation ID: 1399027). Algorithms developed to predict the effect of missense changes on protein structure and function are either unavailable or do not agree on the potential impact of this missense change (SIFT: "Deleterious"; PolyPhen-2: "Probably Damaging"; Align-GVGD: "Class C0"). In summary, the available evidence is currently insufficient to determine the role of this variant in disease. Therefore, it has been classified as a Variant of Uncertain Significance.

NM_198525.3(KIF7):c.322A>T (p.Ser108Cys)

Gene: KIF7 (kinesin family member 7; minus strand). Cytogenetic location: 15q26.1.
Variant type: single nucleotide variant.
Coding change: c.322A>T on transcript NM_198525.3 (MANE Select); coding-DNA position 322, A replaced by T.
Protein change: p.Ser108Cys; replaces serine 108 with cysteine.
Molecular consequence: missense variant.
Genome position (GRCh38, 1-based): chr15:89,652,609, T>A on the plus strand (A>T on the coding strand, the complement: KIF7 is on the minus strand). VCF-style: chr15-89652609-T-A. GRCh37 (hg19) VCF-style: chr15-90195840-T-A.
Other names: c.322A>T (NM_198525.2); short protein forms S108C.
Identifiers: ClinVar variation 1399027 (VCV001399027.5), dbSNP rs754667399, ClinGen allele CA7728661.
Genomic context (GRCh38, chr15:89,652,609, plus strand): 5'-GAAGGAACTAAGGCTCCTTAAAGTGGGCACAGGGCCACGAACAGGGTCACTCACCCACAC[T>A]GGCCTCCCCCATGGTGTATGTCTTCCCTGAGCCCGTCTGACCATAGGCAAAGACAGTGGC-3'
Protein context (NP_940927.2, residues 98-118): SGKTYTMGEA[Ser108Cys]VASLLEDEQG